The following is an entry in ClinVar:

NM_017534.6(MYH2):c.2066C>T (p.Ala689Val)

Genes: MYHAS (myosin heavy chain gene cluster antisense RNA; plus strand), MYH2 (myosin heavy chain 2; minus strand). Cytogenetic location: 17p13.1.
Variant type: single nucleotide variant.
Coding change: c.2066C>T on transcript NM_017534.6 (MANE Select); coding-DNA position 2066, C replaced by T.
Protein change: p.Ala689Val; replaces alanine 689 with valine.
Molecular consequence: missense variant.
Genome position (GRCh38, 1-based): chr17:10,535,187, G>A on the plus strand (C>T on the coding strand, the complement: MYH2 is on the minus strand). VCF-style: chr17-10535187-G-A. GRCh37 (hg19) VCF-style: chr17-10438504-G-A.
Other names: c.2066C>T, p.Ala689Val (NM_001100112.2); short protein forms A689V.
Identifiers: ClinVar variation 2092183 (VCV002092183.4), dbSNP rs199550707, ClinGen allele CA287743077.

ClinVar aggregate classification (germline): Uncertain significance (1 of 4 stars; one submission).

Conditions:
Myopathy, proximal, and ophthalmoplegia (CMYO6). Also called: MYOPATHY WITH CONGENITAL JOINT CONTRACTURES, OPHTHALMOPLEGIA, AND RIMMED VACUOLES; CONGENITAL MYOPATHY 6 WITH OPHTHALMOPLEGIA; INCLUSION BODY MYOPATHY 3, AUTOSOMAL DOMINANT. Identifiers: Orphanet 363677, Orphanet 79091, MedGen C1854106, MONDO:0011577, OMIM 605637.

Allele frequency attached by ClinVar (database versions not stated): gnomAD exomes below 0.00001.
gnomAD v4.1: 1 of 1,614,054 alleles (0.000062%); highest among the groups gnomAD compares: South Asian, 0.0011%; no homozygotes.

Submission:

Labcorp Genetics (formerly Invitae), Labcorp
Classification: Uncertain significance for Myopathy, proximal, and ophthalmoplegia. Last evaluated: 2022-02-28. Review status: criteria provided, single submitter. Criteria: Invitae Variant Classification Sherloc (09022015). Collection method: clinical testing. Allele origin: germline.
Comment: In summary, the available evidence is currently insufficient to determine the role of this variant in disease. Therefore, it has been classified as a Variant of Uncertain Significance. Algorithms developed to predict the effect of missense changes on protein structure and function are either unavailable or do not agree on the potential impact of this missense change (SIFT: "Deleterious"; PolyPhen-2: "Benign"; Align-GVGD: "Class C0"). This variant has not been reported in the literature in individuals affected with MYH2-related conditions. This variant is not present in population databases (gnomAD no frequency). This sequence change replaces alanine, which is neutral and non-polar, with valine, which is neutral and non-polar, at codon 689 of the MYH2 protein (p.Ala689Val).